The following is an entry in ClinVar:

ClinVar aggregate classification (germline): Uncertain significance. Review status: criteria provided, multiple submitters, no conflicts (2 of 4 stars). 2 submissions from 2 submitters: Uncertain significance (2). Last evaluated 2023-03-24.

Conditions:
Inborn genetic diseases. Identifiers: MedGen C0950123, MeSH D030342.
Epidermolysis bullosa simplex 3, localized or generalized intermediate, with BP230 deficiency (EBS3). Also called: Epidermolysis bullosa simplex due to BP230 deficiency; Epidermolysis bullosa simplex, autosomal recessive 2. Identifiers: Orphanet 412181, MedGen C3809470, MONDO:0014180, OMIM 615425.
Hereditary sensory and autonomic neuropathy type 6. Also called: HSAN VI; Neuropathy, hereditary sensory and autonomic, type VI. Identifiers: Orphanet 314381, MedGen C3539003, MONDO:0013839, OMIM 614653.

gnomAD v4.1: 1 of 1,583,248 alleles (0.000063%); no homozygotes.

Submissions (2):

Labcorp Genetics (formerly Invitae), Labcorp
Classification: Uncertain significance for Epidermolysis bullosa simplex 3, localized or generalized intermediate, with BP230 deficiency; Hereditary sensory and autonomic neuropathy type 6. Last evaluated: 2023-03-24. Review status: criteria provided, single submitter. Criteria: Invitae Variant Classification Sherloc (09022015). Collection method: clinical testing. Allele origin: germline.
Comment: Experimental studies and prediction algorithms are not available or were not evaluated, and the functional significance of this variant is currently unknown. In summary, the available evidence is currently insufficient to determine the role of this variant in disease. Therefore, it has been classified as a Variant of Uncertain Significance. The DST gene has multiple clinically relevant transcripts. This variant occurs in alternate transcript NM_015548.4, and corresponds to NM_001723.5:c.*21373C>T in the primary transcript. This sequence change replaces threonine, which is neutral and polar, with isoleucine, which is neutral and non-polar, at codon 1459 of the DST protein (p.Thr1459Ile). This variant is not present in population databases (gnomAD no frequency). This variant has not been reported in the literature in individuals affected with DST-related conditions.

Ambry Genetics
Classification: Uncertain significance for Inborn genetic diseases. Last evaluated: 2021-11-05. Review status: criteria provided, single submitter. Criteria: Ambry Variant Classification Scheme 2023. Collection method: clinical testing. Allele origin: germline.
Comment: The p.T1963I variant (also known as c.5888C>T), located in coding exon 42 of the DST gene, results from a C to T substitution at nucleotide position 5888. The threonine at codon 1963 is replaced by isoleucine, an amino acid with similar properties. This amino acid position is highly conserved in available vertebrate species. In addition, the in silico prediction for this alteration is inconclusive. Since supporting evidence is limited at this time, the clinical significance of this alteration remains unclear.

NM_001374736.1(DST):c.12245C>T (p.Thr4082Ile)

Genes: DST (dystonin; minus strand), LOC129996656 (ATAC-STARR-seq lymphoblastoid active region 24702; plus strand). Cytogenetic location: 6p12.1.
Variant type: single nucleotide variant.
Coding change: c.12245C>T on transcript NM_001374736.1 (MANE Select); coding-DNA position 12245, C replaced by T.
Protein change: p.Thr4082Ile; replaces threonine 4082 with isoleucine.
Molecular consequence: missense variant.
Genome position (GRCh38, 1-based): chr6:56,594,144, G>A on the plus strand (C>T on the coding strand, the complement: DST is on the minus strand). VCF-style: chr6-56594144-G-A. GRCh37 (hg19) VCF-style: chr6-56458942-G-A.
Other names: c.5888C>T, p.Thr1963Ile (NM_001144769.5); c.5474C>T, p.Thr1825Ile (NM_001144770.2); c.12245C>T, p.Thr4082Ile (NM_001374722.1); c.11612C>T, p.Thr3871Ile (NM_001374729.1); c.5354C>T, p.Thr1785Ile (NM_001374730.1, NM_001386100.1, NM_183380.4); c.12272C>T, p.Thr4091Ile (NM_001374734.1); c.4376C>T, p.Thr1459Ile (NM_015548.5); short protein forms T1963I, T1825I, T4082I, T1459I, T1785I, T3871I, T4091I.
Identifiers: ClinVar variation 1750285 (VCV001750285.5), dbSNP rs2536159735, ClinGen allele CA364527132.
Genomic context (GRCh38, chr6:56,594,144, plus strand): 5'-TCTTTTTCTTCAGGAGAGAGATACTGACCCTGTTTCTCAAGCAACACTTGTGCAGACTGA[G>A]TGGCTATGATCACTGCTTGGTGCTGAGAGATGATCTTCTCGTGTTGGGCCTATGTGAAAA-3'
Protein context (NP_001361665.1, residues 4072-4092): ISQHQAVIIA[Thr4082Ile]QSAQVLLEKQ